The following is an entry in ClinVar:

NM_000193.4(SHH):c.1181G>A (p.Arg394His)

Gene: SHH (sonic hedgehog signaling molecule; minus strand). Cytogenetic location: 7q36.3.
Variant type: single nucleotide variant.
Coding change: c.1181G>A on transcript NM_000193.4 (MANE Select); coding-DNA position 1181, G replaced by A.
Protein change: p.Arg394His; replaces arginine 394 with histidine.
Molecular consequence: missense variant. On other transcripts: intron variant (1).
Genome position (GRCh38, 1-based): chr7:155,803,108, C>T on the plus strand (G>A on the coding strand, the complement: SHH is on the minus strand). VCF-style: chr7-155803108-C-T. GRCh37 (hg19) VCF-style: chr7-155595802-C-T.
Other names: c.1181G>A (NM_000193.3); c.302-2863G>A (NM_001310462.2); short protein forms R394H.
Identifiers: ClinVar variation 281757 (VCV000281757.21), dbSNP rs551809680, ClinGen allele CA4586909.
Genomic context (GRCh38, chr7:155,803,108, plus strand): 5'-GCTACTCTGCCGCCGCCGCCCCCGCGGTCCCCGCCGCCGCTGTCCCCGCCGCGGTCCGTG[C>T]GCGCGGGCGCCAGTGCAGCCAGGAGCGCGTGCGCCAGGCGGAAGGGCGCGAAGGCCCGGT-3'
Protein context (NP_000184.1, residues 384-404): HALLAALAPA[Arg394His]TDRGGDSGGG

ClinVar aggregate classification (germline): Conflicting classifications of pathogenicity. Review status: criteria provided, conflicting classifications (1 of 4 stars). 5 submissions from 5 submitters: Uncertain significance (1); Benign (1); Likely benign (2). 1 of the submissions does not count toward it. Last evaluated 2025-09-22.

Conditions:
SHH-related disorder. Also called: SHH-related condition; SHH-related disorders.
Inborn genetic diseases. Identifiers: MedGen C0950123, MeSH D030342.
Holoprosencephaly 3 (HPE3). Identifiers: Orphanet 2162, MedGen C1840529, MONDO:0007733, OMIM 142945.

Allele frequency attached by ClinVar (database versions not stated): ExAC below 0.00001; gnomAD exomes 0.00004; 1000 Genomes Project 0.00060; 1000 Genomes Project 30x 0.00078; gnomAD 0.00081 and 0.00085; TOPMed 0.00088.

Submissions (5):

Labcorp Genetics (formerly Invitae), Labcorp
Classification: Likely benign for Holoprosencephaly 3. Last evaluated: 2025-09-22. Review status: criteria provided, single submitter. Criteria: Invitae Variant Classification Sherloc (09022015). Collection method: clinical testing. Allele origin: germline.

Ambry Genetics
Classification: Benign for Inborn genetic diseases. Last evaluated: 2022-01-06. Review status: criteria provided, single submitter. Criteria: Ambry Variant Classification Scheme 2023. Collection method: clinical testing. Allele origin: germline.

GeneDx
Classification: Likely benign. Last evaluated: 2019-12-13. Review status: criteria provided, single submitter. Criteria: GeneDx Variant Classification Process June 2021. Collection method: clinical testing. Allele origin: germline. Affected: yes.
Comment: In silico analysis, which includes protein predictors and evolutionary conservation, supports that this variant does not alter protein structure/function; Has not been previously published as pathogenic or benign to our knowledge

Eurofins Ntd Llc (ga)
Classification: Uncertain significance. Last evaluated: 2015-07-08. Review status: criteria provided, single submitter. Criteria: EGL Classification Definitions 2015. Collection method: clinical testing. Allele origin: germline. Observed: 1 variant allele, 1 heterozygote.

PreventionGenetics, part of Exact Sciences
Classification: Likely benign for SHH-related condition. Last evaluated: 2022-11-15. Review status: no assertion criteria provided. Collection method: clinical testing. Allele origin: germline. Not counted in ClinVar's aggregate classification.
Comment: This variant is classified as likely benign based on ACMG/AMP sequence variant interpretation guidelines (Richards et al. 2015 PMID: 25741868, with internal and published modifications).

Literature cited by the submitters: PubMed 28518168 (cited by Ambry Genetics); PubMed 32461654 (cited by Ambry Genetics).